The following is an entry in ClinVar:

NM_003737.4(DCHS1):c.5390C>A (p.Ala1797Asp)

Gene: DCHS1 (dachsous cadherin-related 1; minus strand). Cytogenetic location: 11p15.4.
Variant type: single nucleotide variant.
Coding change: c.5390C>A on transcript NM_003737.4 (MANE Select); coding-DNA position 5390, C replaced by A.
Protein change: p.Ala1797Asp; replaces alanine 1797 with aspartic acid.
Molecular consequence: missense variant.
Genome position (GRCh38, 1-based): chr11:6,627,649, G>T on the plus strand (C>A on the coding strand, the complement: DCHS1 is on the minus strand). VCF-style: chr11-6627649-G-T. GRCh37 (hg19) VCF-style: chr11-6648880-G-T.
Other names: c.5390C>A (NM_003737.3, NM_003737.2); short protein forms A1797D.
Identifiers: ClinVar variation 2973909 (VCV002973909.5), dbSNP rs758618708, ClinGen allele CA5860092.
Genomic context (GRCh38, chr11:6,627,649, plus strand): 5'-ACTTCTCTGTCTAGTGGCCGCATGGTGCCAAACTCTCCAGAAGCAAGGTCTAGGACAAAG[G>T]CTCCTGATGGGTCCCCATCTGCAGAGAAGGGCATGCACATATAAATATACATGTGTCGTG-3'
Protein context (NP_003728.1, residues 1787-1807): YRILDGDPSG[Ala1797Asp]FVLDLASGEF

ClinVar aggregate classification (germline): Uncertain significance. Review status: criteria provided, multiple submitters, no conflicts (2 of 4 stars). 3 submissions from 3 submitters: Uncertain significance (3). Last evaluated 2025-07-16.

Conditions:
Inborn genetic diseases. Identifiers: MedGen C0950123, MeSH D030342.

Allele frequency attached by ClinVar (database versions not stated): TOPMed 0.00017; ExAC 0.00001; gnomAD 0.00008; gnomAD exomes 0.00001.

Submissions (3):

Labcorp Genetics (formerly Invitae), Labcorp
Classification: Uncertain significance. Last evaluated: 2025-07-16. Review status: criteria provided, single submitter. Criteria: Invitae Variant Classification Sherloc (09022015). Collection method: clinical testing. Allele origin: germline.
Comment: This sequence change replaces alanine, which is neutral and non-polar, with aspartic acid, which is acidic and polar, at codon 1797 of the DCHS1 protein (p.Ala1797Asp). This variant is present in population databases (rs758618708, gnomAD 0.003%). This variant has not been reported in the literature in individuals affected with DCHS1-related conditions. ClinVar contains an entry for this variant (Variation ID: 2973909). Invitae Evidence Modeling of protein sequence and biophysical properties (such as structural, functional, and spatial information, amino acid conservation, physicochemical variation, residue mobility, and thermodynamic stability) indicates that this missense variant is expected to disrupt DCHS1 protein function with a positive predictive value of 80%. In summary, the available evidence is currently insufficient to determine the role of this variant in disease. Therefore, it has been classified as a Variant of Uncertain Significance.

GeneDx
Classification: Uncertain significance. Last evaluated: 2024-10-09. Review status: criteria provided, single submitter. Criteria: GeneDx Variant Classification Process June 2021. Collection method: clinical testing. Allele origin: germline. Affected: yes.
Comment: Not observed at significant frequency in large population cohorts (gnomAD); In silico analysis indicates that this missense variant does not alter protein structure/function; Has not been previously published as pathogenic or benign to our knowledge

Ambry Genetics
Classification: Uncertain significance for Inborn genetic diseases. Last evaluated: 2023-11-03. Review status: criteria provided, single submitter. Criteria: Ambry Variant Classification Scheme 2023. Collection method: clinical testing. Allele origin: germline.